The following is an entry in ClinVar:

ClinVar aggregate classification (germline): Likely pathogenic (1 of 4 stars; one submission).

Conditions:
Hereditary spherocytosis type 1. Also called: Spherocytosis type 1; ANK1-Related Spherocytosis. Identifiers: Orphanet 822, MedGen C2674218, MONDO:0008447, OMIM 182900.

Submission:

MVZ Dr. Eberhard & Partner Dortmund
Classification: Likely pathogenic for Hereditary spherocytosis type 1. Review status: criteria provided, single submitter. Criteria: ACMG Guidelines, 2015. Collection method: clinical testing. Allele origin: unknown.
Comment: This variant was supposed to cause a frameshift in a gene where LOF is a known mechanism of disease. The generation of a premature stop codon by this nonsens variant should lead to NMD. This variant was completely absent from public population databases.

NM_000037.4(ANK1):c.5283del (p.Trp1762fs)

Gene: ANK1 (ankyrin 1; minus strand). Cytogenetic location: 8p11.21.
Variant type: Deletion.
Coding change: c.5283del on transcript NM_000037.4 (MANE Select); coding-DNA position 5283, one base deleted (G; older notation c.5283delG).
Protein change: p.Trp1762fs; shifts the reading frame from tryptophan 1762.
Molecular consequence: frameshift variant.
Genome position (GRCh38, 1-based): chr8:41,668,378, C deleted on the plus strand (G on the coding strand, the reverse complement: ANK1 is on the minus strand). VCF-style (leftmost placement, unchanged base first): chr8-41668377-AC-A. GRCh37 (hg19) VCF-style: chr8-41525895-AC-A.
Other names: c.5283del, p.Trp1762fs (NM_020476.3, NM_020475.3); c.4797del, p.Trp1600fs (NM_020477.3); c.5406del, p.Trp1803fs (NM_001142446.2); short protein forms W1600fs, W1762fs, W1803fs.
Identifiers: ClinVar variation 3774595 (VCV003774595.2).